The following is an entry in ClinVar:

NM_018082.6(POLR3B):c.106-10_106-7del

Gene: POLR3B (RNA polymerase III subunit B; plus strand). Cytogenetic location: 12q23.3.
Variant type: Deletion.
Coding change: c.106-10_106-7del on transcript NM_018082.6 (MANE Select); 10 bases into the intron before coding-DNA position 106 through 7 bases into the intron before coding-DNA position 106, 4 bases deleted (ATCT; older notation c.106-10_106-7delATCT).
Molecular consequence: intron variant.
Genome position (GRCh38, 1-based): chr12:106,366,506-106,366,509, ATCT deleted; deleting any 4 consecutive bases within chr12:106,366,503-106,366,509 gives the same sequence; the c. name uses the placement nearest the transcript's 3' end. VCF-style (leftmost placement, unchanged base first): chr12-106366502-TTCTA-T. GRCh37 (hg19) VCF-style: chr12-106760280-TTCTA-T.
Other names: c.-69-10_-69-7del (NM_001160708.2); c.106-10_106-7delATCT (NM_018082.6).
Identifiers: ClinVar variation 4847406 (VCV004847406.1).

ClinVar aggregate classification (germline): Likely benign (1 of 4 stars; one submission).

Submission:

Women's Health and Genetics/Laboratory Corporation of America, LabCorp
Classification: Likely benign. Last evaluated: 2026-03-09. Review status: criteria provided, single submitter. Criteria: LabCorp Variant Classification Summary - May 2015. Collection method: clinical testing. Allele origin: germline.
Comment: Variant summary: POLR3B c.106-10_106-7delATCT alters a nucleotide located at a position not widely known to affect splicing. Consensus agreement among computation tools predict no significant impact on normal splicing. However, these predictions have yet to be confirmed by functional studies. The variant allele was found at a frequency of 5.6e-05 in 250564 control chromosomes. This frequency is not significantly higher than estimated for disease-causing variants in POLR3B, allowing no conclusion about variant significance. To our knowledge, no occurrence of c.106-10_106-7delATCT in individuals affected with POLR3B-related conditions and no experimental evidence demonstrating its impact on protein function have been reported. No submitters have cited clinical-significance assessments for this variant to ClinVar. Based on the evidence outlined above, the variant was classified as likely benign.